The following is an entry in ClinVar:

NM_001042492.3(NF1):c.5087T>C (p.Leu1696Pro)

Gene: NF1 (neurofibromin 1; plus strand). Cytogenetic location: 17q11.2.
Variant type: single nucleotide variant.
Coding change: c.5087T>C on transcript NM_001042492.3 (MANE Select); coding-DNA position 5087, T replaced by C.
Protein change: p.Leu1696Pro; replaces leucine 1696 with proline.
Molecular consequence: missense variant.
Genome position (GRCh38, 1-based): chr17:31,326,071, T>C. VCF-style: chr17-31326071-T-C. GRCh37 (hg19) VCF-style: chr17-29653089-T-C.
Other names: c.5024T>C, p.Leu1675Pro (NM_000267.4); short protein forms L1675P, L1696P.
Identifiers: ClinVar variation 186093 (VCV000186093.21), dbSNP rs745489489, ClinGen allele CA193845.

ClinVar aggregate classification (germline): Conflicting classifications of pathogenicity. Review status: criteria provided, conflicting classifications (1 of 4 stars). 7 submissions from 6 submitters: Uncertain significance (6); Likely benign (1). Last evaluated 2026-02-11.

Conditions:
Hereditary cancer-predisposing syndrome. Also called: Hereditary Cancer Syndrome; Neoplastic Syndromes, Hereditary; Tumor predisposition; Hereditary neoplastic syndrome. Identifiers: Orphanet 140162, MedGen C0027672, MeSH D009386, MONDO:0015356.
Cardiovascular phenotype. Identifiers: MedGen CN230736.
Neurofibromatosis, type 1 (NF1). Also called: NEUROFIBROMATOSIS, TYPE I, SOMATIC; VON RECKLINGHAUSEN DISEASE; Peripheral type neurofibromatosis; Neurofibromatosis, type I. Identifiers: Orphanet 636, MedGen C0027831, MONDO:0018975, OMIM 162200. Disease mechanism: loss of function.

Allele frequency attached by ClinVar (database versions not stated): gnomAD exomes below 0.00001 and 0.00001; gnomAD 0.00001; TOPMed 0.00001; ExAC 0.00002.
gnomAD v4.1: 6 of 1,613,948 alleles (0.00037%); highest among the groups gnomAD compares: Admixed American, 0.0017%; no homozygotes.

Submissions (7):

St. Jude Molecular Pathology, St. Jude Children's Research Hospital
Classification: Uncertain significance for Neurofibromatosis, type 1. Last evaluated: 2026-02-11. Review status: criteria provided, single submitter. Criteria: St. Jude Assertion Criteria 2020. Collection method: clinical testing. Allele origin: germline.
Comment: The NF1 c.5024T>C p.(Leu1675Pro) missense change has a maximum subpopulation frequency of 0.004% in gnomAD v2.1.1. The in silico tool REVEL predicts a deleterious effect on protein function, but to our knowledge this prediction has not been confirmed by functional studies. To our knowledge, this variant has not been reported in individuals with Neurofibromatosis type 1. In summary, the evidence currently available is insufficient to determine the clinical significance of this variant. It has therefore been classified as of uncertain significance.

Labcorp Genetics (formerly Invitae), Labcorp
Classification: Likely benign for Neurofibromatosis, type 1. Last evaluated: 2025-12-17. Review status: criteria provided, single submitter. Criteria: Invitae Variant Classification Sherloc (09022015). Collection method: clinical testing. Allele origin: germline.

Quest Diagnostics Nichols Institute San Juan Capistrano
Classification: Uncertain significance. Last evaluated: 2024-05-08. Review status: criteria provided, single submitter. Criteria: Quest Diagnostics criteria. Collection method: clinical testing. Allele origin: unknown.

GeneDx
Classification: Uncertain significance. Last evaluated: 2022-09-16. Review status: criteria provided, single submitter. Criteria: GeneDx Variant Classification Process June 2021. Collection method: clinical testing. Allele origin: germline. Affected: yes.
Comment: In silico analysis supports that this missense variant has a deleterious effect on protein structure/function; Has not been previously published as pathogenic or benign to our knowledge

Genome-Nilou Lab
Classification: Uncertain significance for Neurofibromatosis, type 1. Last evaluated: 2022-03-15. Review status: criteria provided, single submitter. Criteria: ACMG Guidelines, 2015. Collection method: clinical testing. Allele origin: germline. Affected: no.

Ambry Genetics
Classification: Uncertain significance for Cardiovascular phenotype; Hereditary cancer-predisposing syndrome. Last evaluated: 2020-11-20. Review status: criteria provided, single submitter. Criteria: Ambry Variant Classification Scheme 2023. Collection method: clinical testing. Allele origin: germline.

Ambry Genetics
Classification: Uncertain significance for Hereditary cancer-predisposing syndrome. Last evaluated: 2016-02-02. Review status: criteria provided, single submitter. Criteria: Ambry Autosomal Dominant and X-Linked criteria (10/2015). Collection method: clinical testing. Allele origin: germline. Observed: 1 variant allele.
Comment: <span style="background-color:initial">The p.L1696P variant (also known as c.5087T>C), located in coding exon 37 of the NF1 gene, results from a T to C substitution at nucleotide position 5087. The leucine at codon 1696 is replaced by proline, an amino acid with similar properties.This variant was not reported in population based cohorts in the following databases: Database of Single Nucleotide Polymorphisms (dbSNP), NHLBI Exome Sequencing Project (ESP), and 1000 Genomes Project. In the ESP, this variant was not observed in 6503 samples (13006 alleles) with coverage at this position. To date, this alteration has been detected with an allele frequency of approximately 0.003% (greater than 110000 alleles tested) in our clinical cohort. Based on protein sequence alignment, this amino acid position is highly conserved in available vertebrate species. In addition, this alteration is predicted to be deleterious by in silico analysis. Since supporting evidence is limited at this time, the clinical significance of p.L1696P remains unclear.